The following is an entry in ClinVar:

NM_000632.4(ITGAM):c.3434G>T (p.Gly1145Val)

Gene: ITGAM (integrin subunit alpha M; plus strand). Cytogenetic location: 16p11.2.
Variant type: single nucleotide variant.
Coding change: c.3434G>T on transcript NM_000632.4 (MANE Select); coding-DNA position 3434, G replaced by T.
Protein change: p.Gly1145Val; replaces glycine 1145 with valine.
Molecular consequence: missense variant.
Genome position (GRCh38, 1-based): chr16:31,331,682, G>T. VCF-style: chr16-31331682-G-T. GRCh37 (hg19) VCF-style: chr16-31343003-G-T.
Other names: c.3437G>T, p.Gly1146Val (NM_001145808.2); short protein forms G1146V, G1145V.
Identifiers: ClinVar variation 2495363 (VCV002495363.3), dbSNP rs958933257, ClinGen allele CA280629066.

ClinVar aggregate classification (germline): Uncertain significance. Review status: criteria provided, multiple submitters, no conflicts (2 of 4 stars). 2 submissions from 2 submitters: Uncertain significance (2). Last evaluated 2026-01-07.

Allele frequency attached by ClinVar (database versions not stated): gnomAD exomes below 0.00001; gnomAD 0.00002; TOPMed below 0.00001.
gnomAD v4.1: 5 of 1,609,132 alleles (0.00031%); highest among the groups gnomAD compares: African/African-American, 0.0067%; no homozygotes.

Submissions (2):

Labcorp Genetics (formerly Invitae), Labcorp
Classification: Uncertain significance. Last evaluated: 2026-01-07. Review status: criteria provided, single submitter. Criteria: Invitae Variant Classification Sherloc (09022015). Collection method: clinical testing. Allele origin: germline.
Comment: This sequence change replaces glycine, which is neutral and non-polar, with valine, which is neutral and non-polar, at codon 1145 of the ITGAM protein (p.Gly1145Val). This variant is present in population databases (no rsID available, gnomAD 0.02%). This variant has not been reported in the literature in individuals affected with ITGAM-related conditions. ClinVar contains an entry for this variant (Variation ID: 2495363). An algorithm developed to predict the effect of missense changes on protein structure and function outputs the following: PolyPhen-2: "Benign". The valine amino acid residue is found in multiple mammalian species, which suggests that this missense change does not adversely affect protein function. In summary, the available evidence is currently insufficient to determine the role of this variant in disease. Therefore, it has been classified as a Variant of Uncertain Significance.

Ambry Genetics
Classification: Uncertain significance. Last evaluated: 2023-03-07. Review status: criteria provided, single submitter. Criteria: Ambry Variant Classification Scheme 2023. Collection method: clinical testing. Allele origin: germline.